The following is an entry in ClinVar:

ClinVar aggregate classification (germline): Uncertain significance (1 of 4 stars; one submission).

Allele frequency attached by ClinVar (database versions not stated): TOPMed 0.00001; gnomAD exomes 0.00003; ExAC 0.00010.
gnomAD v4.1: 19 of 1,614,186 alleles (0.0012%); highest among the groups gnomAD compares: Admixed American, 0.032%; 1 homozygote.

Submission:

Labcorp Genetics (formerly Invitae), Labcorp
Classification: Uncertain significance. Last evaluated: 2022-10-23. Review status: criteria provided, single submitter. Criteria: Invitae Variant Classification Sherloc (09022015). Collection method: clinical testing. Allele origin: germline.
Comment: This sequence change replaces glycine, which is neutral and non-polar, with arginine, which is basic and polar, at codon 184 of the MMP14 protein (p.Gly184Arg). This variant is present in population databases (rs779226971, gnomAD 0.06%), and has an allele count higher than expected for a pathogenic variant. This variant has not been reported in the literature in individuals affected with MMP14-related conditions. Advanced modeling of protein sequence and biophysical properties (such as structural, functional, and spatial information, amino acid conservation, physicochemical variation, residue mobility, and thermodynamic stability) performed at Invitae indicates that this missense variant is not expected to disrupt MMP14 protein function. In summary, the available evidence is currently insufficient to determine the role of this variant in disease. Therefore, it has been classified as a Variant of Uncertain Significance.

NM_004995.4(MMP14):c.550G>C (p.Gly184Arg)

Gene: MMP14 (matrix metallopeptidase 14; plus strand). Cytogenetic location: 14q11.2.
Variant type: single nucleotide variant.
Coding change: c.550G>C on transcript NM_004995.4 (MANE Select); coding-DNA position 550, G replaced by C.
Protein change: p.Gly184Arg; replaces glycine 184 with arginine.
Molecular consequence: missense variant.
Genome position (GRCh38, 1-based): chr14:22,842,579, G>C. VCF-style: chr14-22842579-G-C. GRCh37 (hg19) VCF-style: chr14-23311788-G-C.
Other names: short protein forms G184R.
Identifiers: ClinVar variation 1955523 (VCV001955523.5), dbSNP rs779226971, ClinGen allele CA7105199.